The following is an entry in ClinVar:

NM_004698.4(PRPF3):c.1277C>T (p.Pro426Leu)

Gene: PRPF3 (pre-mRNA processing factor 3; plus strand). Cytogenetic location: 1q21.2.
Variant type: single nucleotide variant.
Coding change: c.1277C>T on transcript NM_004698.4 (MANE Select); coding-DNA position 1277, C replaced by T.
Protein change: p.Pro426Leu; replaces proline 426 with leucine.
Molecular consequence: missense variant. On other transcripts: non-coding transcript variant (4).
Genome position (GRCh38, 1-based): chr1:150,340,472, C>T. VCF-style: chr1-150340472-C-T. GRCh37 (hg19) VCF-style: chr1-150312948-C-T.
Other names: c.872C>T, p.Pro291Leu (NM_001350529.1); short protein forms P426L, P291L.
Identifiers: ClinVar variation 2151138 (VCV002151138.4), dbSNP rs782325731, ClinGen allele CA1075577.

ClinVar aggregate classification (germline): Uncertain significance (1 of 4 stars; one submission).

Allele frequency attached by ClinVar (database versions not stated): TOPMed below 0.00001; ExAC 0.00001; gnomAD exomes 0.00001.

Submission:

Labcorp Genetics (formerly Invitae), Labcorp
Classification: Uncertain significance. Last evaluated: 2022-09-07. Review status: criteria provided, single submitter. Criteria: Invitae Variant Classification Sherloc (09022015). Collection method: clinical testing. Allele origin: germline.
Comment: In summary, the available evidence is currently insufficient to determine the role of this variant in disease. Therefore, it has been classified as a Variant of Uncertain Significance. Algorithms developed to predict the effect of missense changes on protein structure and function (SIFT, PolyPhen-2, Align-GVGD) all suggest that this variant is likely to be disruptive. This variant has not been reported in the literature in individuals affected with PRPF3-related conditions. This variant is present in population databases (rs782325731, gnomAD 0.0009%). This sequence change replaces proline, which is neutral and non-polar, with leucine, which is neutral and non-polar, at codon 426 of the PRPF3 protein (p.Pro426Leu).